The following is an entry in ClinVar:

NM_013432.5(TONSL):c.2456C>A (p.Ala819Asp)

Genes: TONSL (tonsoku like, DNA repair protein; minus strand), TONSL-AS1 (TONSL antisense RNA 1; plus strand). Cytogenetic location: 8q24.3.
Variant type: single nucleotide variant.
Coding change: c.2456C>A on transcript NM_013432.5 (MANE Select); coding-DNA position 2456, C replaced by A.
Protein change: p.Ala819Asp; replaces alanine 819 with aspartic acid.
Molecular consequence: missense variant.
Genome position (GRCh38, 1-based): chr8:144,435,977, G>T on the plus strand (C>A on the coding strand, the complement: TONSL is on the minus strand). VCF-style: chr8-144435977-G-T. GRCh37 (hg19) VCF-style: chr8-145661360-G-T.
Other names: c.2456C>A (NM_013432.4); short protein forms A819D.
Identifiers: ClinVar variation 1501522 (VCV001501522.7), dbSNP rs760550132, ClinGen allele CA187667299.

ClinVar aggregate classification (germline): Uncertain significance. Review status: criteria provided, multiple submitters, no conflicts (2 of 4 stars). 2 submissions from 2 submitters: Uncertain significance (2). Last evaluated 2024-07-23.

Conditions:
Inborn genetic diseases. Identifiers: MedGen C0950123, MeSH D030342.

Allele frequency attached by ClinVar (database versions not stated): gnomAD 0.00001; TOPMed 0.00003.
gnomAD v4.1: 48 of 1,554,922 alleles (0.0031%); highest among the groups gnomAD compares: Non-Finnish European, 0.0039%; no homozygotes.

Submissions (2):

Labcorp Genetics (formerly Invitae), Labcorp
Classification: Uncertain significance. Last evaluated: 2024-07-23. Review status: criteria provided, single submitter. Criteria: Invitae Variant Classification Sherloc (09022015). Collection method: clinical testing. Allele origin: germline.
Comment: This sequence change replaces alanine, which is neutral and non-polar, with aspartic acid, which is acidic and polar, at codon 819 of the TONSL protein (p.Ala819Asp). The frequency data for this variant in the population databases is considered unreliable, as metrics indicate poor data quality at this position in the gnomAD database. This variant has not been reported in the literature in individuals affected with TONSL-related conditions. ClinVar contains an entry for this variant (Variation ID: 1501522). Advanced modeling of protein sequence and biophysical properties (such as structural, functional, and spatial information, amino acid conservation, physicochemical variation, residue mobility, and thermodynamic stability) performed at Invitae indicates that this missense variant is not expected to disrupt TONSL protein function with a negative predictive value of 80%. In summary, the available evidence is currently insufficient to determine the role of this variant in disease. Therefore, it has been classified as a Variant of Uncertain Significance.

Ambry Genetics
Classification: Uncertain significance for Inborn genetic diseases. Last evaluated: 2024-06-28. Review status: criteria provided, single submitter. Criteria: Ambry Variant Classification Scheme 2023. Collection method: clinical testing. Allele origin: germline.